The following is an entry in ClinVar:

ClinVar aggregate classification (germline): Conflicting classifications of pathogenicity. Review status: criteria provided, conflicting classifications (1 of 4 stars). 3 submissions from 3 submitters: Uncertain significance (2); Likely benign (1). Last evaluated 2025-12-02.

Conditions:
Inborn genetic diseases. Identifiers: MedGen C0950123, MeSH D030342.
Charcot-Marie-Tooth disease type 2E (CMT2E). Also called: CHARCOT-MARIE-TOOTH DISEASE, AXONAL, TYPE 2E; CHARCOT-MARIE-TOOTH NEUROPATHY, TYPE 2E. Identifiers: Orphanet 99939, MedGen C1843225, MONDO:0011894, OMIM 607684.
NEFL-related disorder. Also called: NEFL-related condition.

Allele frequency attached by ClinVar (database versions not stated): gnomAD exomes 0.00001; gnomAD 0.00005 and 0.00006; TOPMed 0.00020.
gnomAD v4.1: 20 of 1,613,834 alleles (0.0012%); highest among the groups gnomAD compares: Admixed American, 0.022%; no homozygotes.

Submissions (3):

Ambry Genetics
Classification: Uncertain significance for Inborn genetic diseases. Last evaluated: 2025-12-02. Review status: criteria provided, single submitter. Criteria: Ambry Variant Classification Scheme 2023. Collection method: clinical testing. Allele origin: germline.

PreventionGenetics, part of Exact Sciences
Classification: Likely benign for NEFL-related condition. Last evaluated: 2025-12-01. Review status: criteria provided, single submitter. Criteria: ACMG Guidelines, 2015. Collection method: clinical testing. Allele origin: germline.
Comment: This variant is classified as likely benign based on ACMG/AMP sequence variant interpretation guidelines (Richards et al. 2015 PMID: 25741868, with internal and published modifications).

Labcorp Genetics (formerly Invitae), Labcorp
Classification: Uncertain significance for Charcot-Marie-Tooth disease type 2E. Last evaluated: 2024-08-24. Review status: criteria provided, single submitter. Criteria: Invitae Variant Classification Sherloc (09022015). Collection method: clinical testing. Allele origin: germline.
Comment: This sequence change replaces valine, which is neutral and non-polar, with alanine, which is neutral and non-polar, at codon 447 of the NEFL protein (p.Val447Ala). This variant is present in population databases (no rsID available, gnomAD 0.1%). This variant has not been reported in the literature in individuals affected with NEFL-related conditions. ClinVar contains an entry for this variant (Variation ID: 533512). Invitae Evidence Modeling of protein sequence and biophysical properties (such as structural, functional, and spatial information, amino acid conservation, physicochemical variation, residue mobility, and thermodynamic stability) has been performed for this missense variant. However, the output from this modeling did not meet the statistical confidence thresholds required to predict the impact of this variant on NEFL protein function. In summary, the available evidence is currently insufficient to determine the role of this variant in disease. Therefore, it has been classified as a Variant of Uncertain Significance.

NM_006158.5(NEFL):c.1340T>C (p.Val447Ala)

Gene: NEFL (neurofilament light chain; minus strand). Cytogenetic location: 8p21.2.
Variant type: single nucleotide variant.
Coding change: c.1340T>C on transcript NM_006158.5 (MANE Select); coding-DNA position 1340, T replaced by C.
Protein change: p.Val447Ala; replaces valine 447 with alanine.
Molecular consequence: missense variant.
Genome position (GRCh38, 1-based): chr8:24,953,625, A>G on the plus strand (T>C on the coding strand, the complement: NEFL is on the minus strand). VCF-style: chr8-24953625-A-G. GRCh37 (hg19) VCF-style: chr8-24811139-A-G.
Other names: c.1340T>C (NM_006158.3); short protein forms V447A.
Identifiers: ClinVar variation 533512 (VCV000533512.11), dbSNP rs1045761358, ClinGen allele CA174058630.